The following is an entry in ClinVar:

ClinVar aggregate classification (germline): Uncertain significance (1 of 4 stars; one submission).

Submission:

GeneDx
Classification: Uncertain significance. Last evaluated: 2025-03-16. Review status: criteria provided, single submitter. Criteria: GeneDx Variant Classification Process June 2021. Collection method: clinical testing. Allele origin: germline. Affected: yes.
Comment: Not observed at significant frequency in large population cohorts (gnomAD); In silico analysis supports that this missense variant has a deleterious effect on protein structure/function; Has not been previously published as pathogenic or benign to our knowledge

NM_001458.5(FLNC):c.3670T>A (p.Tyr1224Asn)

Gene: FLNC (filamin C; plus strand). Cytogenetic location: 7q32.1.
Variant type: single nucleotide variant.
Coding change: c.3670T>A on transcript NM_001458.5 (MANE Select); coding-DNA position 3670, T replaced by A.
Protein change: p.Tyr1224Asn; replaces tyrosine 1224 with asparagine.
Molecular consequence: missense variant.
Genome position (GRCh38, 1-based): chr7:128,845,135, T>A. VCF-style: chr7-128845135-T-A. GRCh37 (hg19) VCF-style: chr7-128485189-T-A.
Other names: c.3670T>A, p.Tyr1224Asn (NM_001127487.2); short protein forms Y1224N.
Identifiers: ClinVar variation 4086748 (VCV004086748.1).